The following is an entry in ClinVar:

NM_000236.3(LIPC):c.815C>T (p.Thr272Ile)

Gene: LIPC (lipase C, hepatic type; plus strand). Cytogenetic location: 15q21.3.
Variant type: single nucleotide variant.
Coding change: c.815C>T on transcript NM_000236.3 (MANE Select); coding-DNA position 815, C replaced by T.
Protein change: p.Thr272Ile; replaces threonine 272 with isoleucine.
Molecular consequence: missense variant.
Genome position (GRCh38, 1-based): chr15:58,548,336, C>T. VCF-style: chr15-58548336-C-T. GRCh37 (hg19) VCF-style: chr15-58840535-C-T.
Other names: short protein forms T272I.
Identifiers: ClinVar variation 1307083 (VCV001307083.6), dbSNP rs148453176, ClinGen allele CA7585015.

ClinVar aggregate classification (germline): Conflicting classifications of pathogenicity. Review status: criteria provided, conflicting classifications (1 of 4 stars). 3 submissions from 3 submitters: Uncertain significance (2); Likely benign (1). Last evaluated 2025-07-08.

Allele frequency attached by ClinVar (database versions not stated): gnomAD exomes 0.00023; ExAC 0.00028; 1000 Genomes Project 0.00120; 1000 Genomes Project 30x 0.00125; gnomAD 0.00088 and 0.00084; TOPMed 0.00085; ESP Exome Variant Server 0.00093.
gnomAD v4.1: 261 of 1,614,092 alleles (0.016%); highest among the groups gnomAD compares: African/African-American, 0.28%; 1 homozygote.

Submissions (3):

Labcorp Genetics (formerly Invitae), Labcorp
Classification: Likely benign. Last evaluated: 2025-07-08. Review status: criteria provided, single submitter. Criteria: Invitae Variant Classification Sherloc (09022015). Collection method: clinical testing. Allele origin: germline.

GeneDx
Classification: Uncertain significance. Last evaluated: 2019-07-12. Review status: criteria provided, single submitter. Criteria: GeneDx Variant Classification Process June 2021. Collection method: clinical testing. Allele origin: germline. Affected: yes.
Comment: This variant is associated with the following publications: (PMID: 32041611)

Breakthrough Genomics
Classification: Uncertain significance. Review status: criteria provided, single submitter. Criteria: ACMG Guidelines, 2015. Collection method: not provided. Allele origin: germline. Inheritance: Autosomal recessive inheritance. Affected: yes.